The following is an entry in ClinVar:

NM_000083.3(CLCN1):c.2403+4A>C

Gene: CLCN1 (chloride voltage-gated channel 1; plus strand). Cytogenetic location: 7q34.
Variant type: single nucleotide variant.
Coding change: c.2403+4A>C on transcript NM_000083.3 (MANE Select); 4 bases into the intron after coding-DNA position 2403, A replaced by C.
Molecular consequence: intron variant.
Genome position (GRCh38, 1-based): chr7:143,346,953, A>C. VCF-style: chr7-143346953-A-C. GRCh37 (hg19) VCF-style: chr7-143044046-A-C.
Identifiers: ClinVar variation 447061 (VCV000447061.6), dbSNP rs372826693, ClinGen allele CA4537669.

ClinVar aggregate classification (germline): Uncertain significance. Review status: criteria provided, multiple submitters, no conflicts (2 of 4 stars). 3 submissions from 3 submitters: Uncertain significance (3). Last evaluated 2024-11-04.

Conditions:
Congenital myotonia, autosomal recessive form. Also called: myotonia congenita, autosomal recessive; BECKER DISEASE; Becker Generalized Myotonia. Identifiers: Orphanet 614, MedGen C0751360, MONDO:0009715, OMIM 255700.
Congenital myotonia, autosomal dominant form (THD). Also called: THOMSEN DISEASE; Myotonia congenita autosomal dominant. Identifiers: Orphanet 614, MedGen C2936781, MONDO:0008055, OMIM 160800.

Allele frequency attached by ClinVar (database versions not stated): gnomAD exomes 0.00002 and 0.00005; ExAC 0.00007; gnomAD 0.00009; TOPMed 0.00017; 1000 Genomes Project 0.00040; ESP Exome Variant Server 0.00046; 1000 Genomes Project 30x 0.00047.
gnomAD v4.1: 45 of 1,612,758 alleles (0.0028%); highest among the groups gnomAD compares: African/African-American, 0.055%; no homozygotes.

Submissions (3):

Women's Health and Genetics/Laboratory Corporation of America, LabCorp
Classification: Uncertain significance. Last evaluated: 2024-11-04. Review status: criteria provided, single submitter. Criteria: LabCorp Variant Classification Summary - May 2015. Collection method: clinical testing. Allele origin: germline.

Labcorp Genetics (formerly Invitae), Labcorp
Classification: Uncertain significance for Congenital myotonia, autosomal recessive form; Congenital myotonia, autosomal dominant form. Last evaluated: 2024-08-24. Review status: criteria provided, single submitter. Criteria: Invitae Variant Classification Sherloc (09022015). Collection method: clinical testing. Allele origin: germline.
Comment: This sequence change falls in intron 20 of the CLCN1 gene. It does not directly change the encoded amino acid sequence of the CLCN1 protein. It affects a nucleotide within the consensus splice site. This variant is present in population databases (rs372826693, gnomAD 0.04%). This variant has not been reported in the literature in individuals affected with CLCN1-related conditions. ClinVar contains an entry for this variant (Variation ID: 447061). Variants that disrupt the consensus splice site are a relatively common cause of aberrant splicing (PMID: 17576681, 9536098). Algorithms developed to predict the effect of sequence changes on RNA splicing suggest that this variant is not likely to affect RNA splicing. In summary, the available evidence is currently insufficient to determine the role of this variant in disease. Therefore, it has been classified as a Variant of Uncertain Significance.

Athena Diagnostics
Classification: Uncertain significance. Last evaluated: 2016-09-29. Review status: criteria provided, single submitter. Criteria: Athena Diagnostics Criteria. Collection method: clinical testing. Allele origin: germline.

Literature cited by the submitters: PubMed 17576681 (cited by Labcorp Genetics (formerly Invitae), Labcorp); PubMed 9536098 (cited by Labcorp Genetics (formerly Invitae), Labcorp).